The following is an entry in ClinVar:

NM_005630.3(SLCO2A1):c.1690+6T>C

Gene: SLCO2A1 (solute carrier organic anion transporter family member 2A1; minus strand). Cytogenetic location: 3q22.1.
Variant type: single nucleotide variant.
Coding change: c.1690+6T>C on transcript NM_005630.3 (MANE Select); 6 bases into the intron after coding-DNA position 1690, T replaced by C.
Molecular consequence: intron variant.
Genome position (GRCh38, 1-based): chr3:133,938,423, A>G on the plus strand (T>C on the coding strand, the complement: SLCO2A1 is on the minus strand). VCF-style: chr3-133938423-A-G. GRCh37 (hg19) VCF-style: chr3-133657267-A-G.
Identifiers: ClinVar variation 1382119 (VCV001382119.4), dbSNP rs774522730, ClinGen allele CA2626359.
Genomic context (GRCh38, chr3:133,938,423, plus strand): 5'-CCCATAGCCTTCAGATGCCCCATCGCCTGGGGCCACTTCTTGGGAAGAGGGGTCTTAGAC[A>G]CTTACCCAGCAAGCGCATCAACAAGAACTGCACCCCGATGGCAAATGACTTTTCCTCCTG-3'

ClinVar aggregate classification (germline): Uncertain significance (1 of 4 stars; one submission).

Allele frequency attached by ClinVar (database versions not stated): ExAC 0.00001; gnomAD exomes 0.00001 and 0.00004; TOPMed 0.00005; gnomAD 0.00007 and 0.00008.
gnomAD v4.1: 74 of 1,613,742 alleles (0.0046%); highest among the groups gnomAD compares: Non-Finnish European, 0.0058%; no homozygotes.

Submission:

Labcorp Genetics (formerly Invitae), Labcorp
Classification: Uncertain significance. Last evaluated: 2021-08-07. Review status: criteria provided, single submitter. Criteria: Invitae Variant Classification Sherloc (09022015). Collection method: clinical testing. Allele origin: germline.
Comment: Variants that disrupts the consensus splice site are a relatively common cause of aberrant splicing (PMID: 17576681, 9536098). Algorithms developed to predict the effect of sequence changes on RNA splicing suggest that this variant is not likely to affect RNA splicing. In summary, the available evidence is currently insufficient to determine the role of this variant in disease. Therefore, it has been classified as a Variant of Uncertain Significance. This variant has not been reported in the literature in individuals affected with SLCO2A1-related conditions. This variant is present in population databases (rs774522730, ExAC 0.01%). This sequence change falls in intron 12 of the SLCO2A1 gene. It does not directly change the encoded amino acid sequence of the SLCO2A1 protein. It affects a nucleotide within the consensus splice site of the intron.

Literature cited by the submitters: PubMed 17576681; PubMed 9536098.